The following is an entry in ClinVar:

ClinVar aggregate classification (germline): Uncertain significance (1 of 4 stars; one submission).

Submission:

GeneDx
Classification: Uncertain significance. Last evaluated: 2023-10-16. Review status: criteria provided, single submitter. Criteria: GeneDx Variant Classification Process June 2021. Collection method: clinical testing. Allele origin: germline. Affected: yes.
Comment: Not observed at significant frequency in large population cohorts (gnomAD); In silico analysis supports that this missense variant has a deleterious effect on protein structure/function; Has not been previously published as pathogenic or benign to our knowledge

NM_001349798.2(FBXW7):c.1561T>G (p.Phe521Val)

Gene: FBXW7 (F-box and WD repeat domain containing 7; minus strand). Cytogenetic location: 4q31.3.
Variant type: single nucleotide variant.
Coding change: c.1561T>G on transcript NM_001349798.2 (MANE Select); coding-DNA position 1561, T replaced by G.
Protein change: p.Phe521Val; replaces phenylalanine 521 with valine.
Molecular consequence: missense variant.
Genome position (GRCh38, 1-based): chr4:152,326,089, A>C on the plus strand (T>G on the coding strand, the complement: FBXW7 is on the minus strand). VCF-style: chr4-152326089-A-C. GRCh37 (hg19) VCF-style: chr4-153247241-A-C.
Other names: c.1207T>G, p.Phe403Val (NM_001013415.2); c.1321T>G, p.Phe441Val (NM_018315.5); c.1561T>G, p.Phe521Val (NM_033632.3); short protein forms F403V, F441V, F521V.
Identifiers: ClinVar variation 3366156 (VCV003366156.1).
Genomic context (GRCh38, chr4:152,326,089, plus strand): 5'-TATGCCCCTGCAACGTGTGTAGACAGGTTTCAGTCTCTGGATCCCACACCTTTACCATAA[A>C]ATCATATGCTCCACTAACAACCCTCCTGCCATCATATTGAACACAGCGGACTGCTGCAAC-3'
Protein context (NP_001336727.1, residues 511-531): GRRVVSGAYD[Phe521Val]MVKVWDPETE